The following is an entry in ClinVar:

ClinVar aggregate classification (germline): Likely pathogenic (1 of 4 stars; one submission).

Submission:

GeneDx
Classification: Likely pathogenic. Last evaluated: 2017-03-22. Review status: criteria provided, single submitter. Criteria: GeneDx Variant Classification (06012015). Collection method: clinical testing. Allele origin: germline. Affected: yes.
Comment: The F104S variant in the KCNQ2 gene has not been reported previously as a pathogenic variant, nor as a benign variant, to our knowledge. The F104S variant is not observed in large population cohorts (Lek et al., 2016; 1000 Genomes Consortium et al., 2015; Exome Variant Server). The F104S variant is a non-conservative amino acid substitution, which is likely to impact secondary protein structure as these residues differ in polarity, charge, size and/or other properties. This substitution occurs at a position that is conserved across species. In silico analysis predicts this variant is probably damaging to the protein structure/function. Therefore, the F104S variant is a strong candidate for a pathogenic variant

NM_172107.4(KCNQ2):c.311T>C (p.Phe104Ser)

Gene: KCNQ2 (potassium voltage-gated channel subfamily Q member 2; minus strand). Cytogenetic location: 20q13.33.
Variant type: single nucleotide variant.
Coding change: c.311T>C on transcript NM_172107.4 (MANE Select); coding-DNA position 311, T replaced by C.
Protein change: p.Phe104Ser; replaces phenylalanine 104 with serine.
Molecular consequence: missense variant.
Genome position (GRCh38, 1-based): chr20:63,446,823, A>G on the plus strand (T>C on the coding strand, the complement: KCNQ2 is on the minus strand). VCF-style: chr20-63446823-A-G. GRCh37 (hg19) VCF-style: chr20-62078176-A-G.
Other names: c.311T>C, p.Phe104Ser (NM_004518.6, NM_172106.3, NM_172108.5 and 1 more transcripts); short protein forms F104S.
Identifiers: ClinVar variation 424370 (VCV000424370.2), dbSNP rs1064796940, ClinGen allele CA16620979.